The following is an entry in ClinVar:

NM_000053.4(ATP7B):c.3659C>T (p.Thr1220Met)

Gene: ATP7B (ATPase copper transporting beta; minus strand). Cytogenetic location: 13q14.3.
Variant type: single nucleotide variant.
Coding change: c.3659C>T on transcript NM_000053.4 (MANE Select); coding-DNA position 3659, C replaced by T.
Protein change: p.Thr1220Met; replaces threonine 1220 with methionine.
Molecular consequence: missense variant.
Genome position (GRCh38, 1-based): chr13:51,939,091, G>A on the plus strand (C>T on the coding strand, the complement: ATP7B is on the minus strand). VCF-style: chr13-51939091-G-A. GRCh37 (hg19) VCF-style: chr13-52513227-G-A.
Other names: c.3038C>T, p.Thr1013Met (NM_001005918.3); c.3326C>T, p.Thr1109Met (NM_001243182.2); c.3425C>T, p.Thr1142Met (NM_001330578.2); c.3407C>T, p.Thr1136Met (NM_001330579.2); short protein forms T1220M, T1142M, T1013M, T1136M, T1109M.
Identifiers: ClinVar variation 35725 (VCV000035725.32), dbSNP rs193922107, ClinGen allele CA260145.
Genomic context (GRCh38, chr13:51,939,091, plus strand): 5'-GCAACATTAAAGGGCTGTACCTGGGTGGCAATAGCTCTGGCTGTCTTCCGGTTGTCCCCC[G>A]TGATCAGAACCACGTCCACACCCATGCTCTGCAGCGTGTGCACAGCCAGGGCAGCCTCCT-3'
Protein context (NP_000044.2, residues 1210-1230): QSMGVDVVLI[Thr1220Met]GDNRKTARAI

ClinVar aggregate classification (germline): Pathogenic/Likely pathogenic. Review status: criteria provided, multiple submitters, no conflicts (2 of 4 stars). 13 submissions from 13 submitters: Pathogenic (11); Likely pathogenic (1). 1 of the submissions does not count toward it. Last evaluated 2025-07-23.

Conditions:
ATP7B-related disorder. Also called: ATP7B-related condition.
Wilson disease (WND). Also called: Wilson's disease. Identifiers: Orphanet 905, MedGen C0019202, MONDO:0010200, OMIM 277900. Disease mechanism: loss of function.

Allele frequency attached by ClinVar (database versions not stated): gnomAD exomes below 0.00001; TOPMed below 0.00001.
gnomAD v4.1: 7 of 1,614,212 alleles (0.00043%); highest among the groups gnomAD compares: Middle Eastern, 0.016%; no homozygotes.

Submissions (13):

PreventionGenetics, part of Exact Sciences
Classification: Pathogenic for ATP7B-related condition. Last evaluated: 2025-07-23. Review status: criteria provided, single submitter. Criteria: ACMG Guidelines, 2015. Collection method: clinical testing. Allele origin: germline.
Comment: The ATP7B c.3659C>T variant is predicted to result in the amino acid substitution p.Thr1220Met. This variant has been reported in the compound heterozygous state with a second pathogenic ATP7B variant in multiple unrelated individuals with clinical and biochemical features of Wilson disease (Haas et al. 1999. PubMed ID: 10447265; Nicastro et al. 2010. PubMed ID: 20967755; Møller et al. 2011. PubMed ID: 21610751; Hofer et al. 2012. PubMed ID: 22763723; Table S2, Coffey et al. 2013. PubMed ID: 23518715; Paradisi et al. 2015. PubMed ID: 25497208). This variant is reported in 0.00088% of alleles in individuals of European (Non-Finnish) descent in gnomAD. An alternate missense change affected the same amino acid (p.Thr1220Arg) has also been reported with the common pathogenic p.His1069Gln variant in an individual with Wilson disease (Table S2, Zhang et al. 2022. PubMed ID: 35220961). Taken together, the p.Thr1220Met variant is interpreted as pathogenic.

Labcorp Genetics (formerly Invitae), Labcorp
Classification: Pathogenic for Wilson disease. Last evaluated: 2025-05-16. Review status: criteria provided, single submitter. Criteria: Invitae Variant Classification Sherloc (09022015). Collection method: clinical testing. Allele origin: germline.
Comment: This sequence change replaces threonine, which is neutral and polar, with methionine, which is neutral and non-polar, at codon 1220 of the ATP7B protein (p.Thr1220Met). This variant is present in population databases (rs193922107, gnomAD 0.0009%). This missense change has been observed in individual(s) with Wilson disease (PMID: 21610751, 22763723, 24661374, 25497208; internal data). ClinVar contains an entry for this variant (Variation ID: 35725). Invitae Evidence Modeling of protein sequence and biophysical properties (such as structural, functional, and spatial information, amino acid conservation, physicochemical variation, residue mobility, and thermodynamic stability) indicates that this missense variant is expected to disrupt ATP7B protein function with a positive predictive value of 80%. For these reasons, this variant has been classified as Pathogenic.

Mayo Clinic Laboratories, Mayo Clinic
Classification: Pathogenic. Last evaluated: 2025-05-15. Review status: criteria provided, single submitter. Criteria: ACMG Guidelines, 2015. Collection method: clinical testing. Allele origin: germline. Observed: 2 variant alleles.
Comment: PP3_strong, PM2_supporting, PM3_strong

Natera, Inc.
Classification: Pathogenic for Wilson disease. Last evaluated: 2025-03-09. Review status: criteria provided, single submitter. Criteria: Natera Variant Classification Schema (03/2026). Collection method: clinical testing. Allele origin: germline.
Comment: The c.3659C>T variant in ATP7B is a missense variant predicted to cause substitution of threonine to methionine at amino acid 1220. This variant is rare in the general population with a frequency below the threshold expected for the associated phenotype(s). This variant has been observed in one or more individuals affected with the associated recessive disease, as either homozygous or compound heterozygous with a second variant (PMID: 21610751). Given the available evidence, this variant is classified as Pathogenic.

All of Us Research Program, National Institutes of Health
Classification: Pathogenic for Wilson disease. Last evaluated: 2024-09-23. Review status: criteria provided, single submitter. Criteria: ACMG Guidelines, 2015. Collection method: clinical testing. Allele origin: germline. Inheritance: Autosomal recessive inheritance. Observed: 6 variant alleles, 6 heterozygotes.
Comment: This missense variant replaces threonine with methionine at codon 1220 of the ATP7B protein. Computational prediction suggests that this variant may have deleterious impact on protein structure and function. This variant alters a conserved threonine residue in the phosphorylation domain of the ATP7B protein (a.a. 1004 - 1031; a.a. 1197 - 1306), a highly conserved region that is considered to be important for ATP7B protein function (PMID: 35245129; ClinVar). This variant has been observed in the compound heterozygous state in many individuals affected with autosomal recessive Wilson disease (PMID: 8931691, 10447265, 16283883, 17949296, 18371106, 18483695, 19371217, 20967755, 21610751, 22763723, 23518715, 24661374, 25497208, 34400371), indicating that this variant contributes to disease. This variant has been identified in 1/249594 chromosomes in the general population by the Genome Aggregation Database (gnomAD). Based on the available evidence, this variant is classified as Pathogenic.

This study involves interpretation of variants in research participants for the purpose of population health screening. Participant phenotype was not available at the time of variant classification. Additional details can be found in publication PMID: 35346344, PMCID: PMC8962531

Color Diagnostics, LLC DBA Color Health
Classification: Pathogenic for Wilson disease. Last evaluated: 2024-05-08. Review status: criteria provided, single submitter. Criteria: ACMG Guidelines, 2015. Collection method: clinical testing. Allele origin: germline.
Comment: This missense variant replaces threonine with methionine at codon 1220 of the ATP7B protein. Computational prediction suggests that this variant may have deleterious impact on protein structure and function. This variant alters a conserved threonine residue in the phosphorylation domain of the ATP7B protein (a.a. 1004 - 1031a.a. 1197 - 1306), a highly conserved region that is considered to be important for ATP7B protein function (PMID: 35245129ClinVar). This variant has been observed in the compound heterozygous state in many individuals affected with autosomal recessive Wilson disease (PMID: 8931691, 10447265, 16283883, 17949296, 18371106, 18483695, 19371217, 20967755, 21610751, 22763723, 23518715, 24661374, 25497208, 34400371), indicating that this variant contributes to disease. This variant has been identified in 1/249594 chromosomes in the general population by the Genome Aggregation Database (gnomAD). Based on the available evidence, this variant is classified as Pathogenic.

Fulgent Genetics
Classification: Pathogenic for Wilson disease. Last evaluated: 2024-03-27. Review status: criteria provided, single submitter. Criteria: ACMG Guidelines, 2015. Collection method: clinical testing. Allele origin: germline.

Baylor Genetics
Classification: Pathogenic for Wilson disease. Last evaluated: 2024-03-24. Review status: criteria provided, single submitter. Criteria: ACMG Guidelines, 2015. Collection method: clinical testing. Allele origin: unknown.

Blueprint Genetics
Classification: Pathogenic for ATP7B-related disorders. Last evaluated: 2024-03-21. Review status: criteria provided, single submitter. Criteria: ACMG Guidelines, 2015. Collection method: clinical testing. Allele origin: germline. Affected: yes. Observed: 3 variant alleles.

Women's Health and Genetics/Laboratory Corporation of America, LabCorp
Classification: Pathogenic for Wilson disease. Last evaluated: 2022-08-10. Review status: criteria provided, single submitter. Criteria: LabCorp Variant Classification Summary - May 2015. Collection method: clinical testing. Allele origin: germline.
Comment: Variant summary: ATP7B c.3659C>T (p.Thr1220Met) results in a non-conservative amino acid change located in the P-type ATPase, haloacid dehalogenase domain (IPR044492) of the encoded protein sequence. Five of five in-silico tools predict a damaging effect of the variant on protein function. The variant allele was found at a frequency of 4e-06 in 249960 control chromosomes (gnomAD and Loudianos_1996, Abdelghaffar_2008). c.3659C>T has been reported in the literature in many individuals affected with Wilson Disease (e.g. Loudianos_1996, Haas_1999, Gromadzka_2005, Lepori_2007, Gojova_2008, Abdelghaffar_2008, Lovicu_2009, Moller_2011). These data indicate that the variant is very likely to be associated with disease. Five clinical diagnostic laboratories have submitted clinical-significance assessments for this variant to ClinVar after 2014. All laboratories classified the variant as pathogenic (n=3)/likely pathogenic (n=2). Based on the evidence outlined above, the variant was classified as pathogenic.

Genome-Nilou Lab
Classification: Likely pathogenic for Wilson disease. Last evaluated: 2021-08-10. Review status: criteria provided, single submitter. Criteria: ACMG Guidelines, 2015. Collection method: clinical testing. Allele origin: germline. Affected: no.

GeneDx
Classification: Pathogenic. Last evaluated: 2020-09-09. Review status: criteria provided, single submitter. Criteria: GeneDx Variant Classification Process June 2021. Collection method: clinical testing. Allele origin: germline. Affected: yes.
Comment: Published functional studies demonstrate that site-directed mutagenesis of the residues in the ATP-binding domain found that alteration of this sequence abolishes calcium transport activity (Loudianos et al. 1996); Not observed at a significant frequency in large population cohorts (Lek et al., 2016); In silico analysis supports that this missense variant has a deleterious effect on protein structure/function; This variant is associated with the following publications: (PMID: 16283883, 17949296, 22763723, 20931554, 25497208, 24661374, 30275481, 22692182, 21610751, 23774950, 8931691, 31708252, 31400605)

Counsyl
Classification: Likely pathogenic for Wilson's disease. Last evaluated: 2014-06-29. Review status: no assertion criteria provided. Collection method: literature only. Allele origin: unknown. Inheritance: Autosomal recessive inheritance. Not counted in ClinVar's aggregate classification.

Literature cited by the submitters: PubMed 21610751 (cited by 7 submitters); PubMed 22763723 (cited by 5 submitters); PubMed 24661374 (cited by 5 submitters); PubMed 25497208 (cited by 4 submitters); PubMed 10447265 (cited by 5 submitters); PubMed 16283883 (cited by 5 submitters); PubMed 17949296 (cited by 5 submitters); PubMed 18371106 (cited by 4 submitters); PubMed 18483695 (cited by 5 submitters); PubMed 19371217 (cited by 4 submitters); PubMed 20967755 (cited by 4 submitters); PubMed 23774950 (cited by Mayo Clinic Laboratories, Mayo Clinic); PubMed 25678388 (cited by Mayo Clinic Laboratories, Mayo Clinic); PubMed 31708252 (cited by Mayo Clinic Laboratories, Mayo Clinic); PubMed 34400371 (cited by 3 submitters); PubMed 8931691 (cited by 5 submitters); PubMed 23518715 (cited by 3 submitters); PubMed 35245129 (cited by All of Us Research Program, National Institutes of Health and Color Diagnostics, LLC DBA Color Health); PubMed 15147237 (cited by Counsyl); PubMed 16495228 (cited by Counsyl).